The following is an entry in ClinVar:

NM_016648.4(LARP7):c.646+3_646+6del

Genes: LARP7 (La ribonucleoprotein 7, transcriptional regulator; plus strand), MIR302CHG (miR-302/367 cluster host gene; minus strand). Cytogenetic location: 4q25.
Variant type: Deletion.
Coding change: c.646+3_646+6del on transcript NM_016648.4 (MANE Select); bases 3 to 6 of the intron after coding-DNA position 646, 4 bases deleted (GAGT; older notation c.646+3_646+6delGAGT).
Molecular consequence: splice donor variant.
Genome position (GRCh38, 1-based): chr4:112,647,130-112,647,133, GAGT deleted; deleting any 4 consecutive bases within chr4:112,647,128-112,647,133 gives the same sequence; the c. name uses the placement nearest the transcript's 3' end. VCF-style (leftmost placement, unchanged base first): chr4-112647127-GGTGA-G. GRCh37 (hg19) VCF-style: chr4-113568283-GGTGA-G.
Other names: c.646+3_646+6del (NM_001370976.1, NM_001370979.1, NM_001370978.1 and 6 more transcripts); c.409+3_409+6del (NM_001370982.1, NM_001370981.1); c.646+3_646+6delGAGT (NM_016648.3).
Identifiers: ClinVar variation 449740 (VCV000449740.8), dbSNP rs761208307, ClinGen allele CA3049183.
Genomic context (GRCh38, chr4:112,647,127, plus strand): 5'-AAACCTGGCATATTTCCTAAAACAGTGAAAAATAAGCCCATTCCAGCCTTAAGAGTTGTG[GGTGA>G]GTATTTTTCAATATTTAAATAGGTGTAGTTGAAGTAAGATGAACTAATAATGATGGCACT-3'

ClinVar aggregate classification (germline): Likely pathogenic. Review status: criteria provided, multiple submitters, no conflicts (2 of 4 stars). 4 submissions from 4 submitters: Likely pathogenic (3). 1 of the submissions does not count toward it. Last evaluated 2024-12-11.

Conditions:
Microcephalic primordial dwarfism, Alazami type. Also called: Alazami syndrome; FACIAL DYSMORPHISM, INTELLECTUAL DISABILITY, AND PRIMORDIAL DWARFISM. Identifiers: Orphanet 319671, MedGen C3554439, MONDO:0014031, OMIM 615071.

Submissions (4):

Victorian Clinical Genetics Services, Murdoch Childrens Research Institute
Classification: Likely pathogenic for Microcephalic primordial dwarfism, Alazami type. Last evaluated: 2024-12-11. Review status: criteria provided, single submitter. Criteria: ACMG Guidelines, 2015. Collection method: clinical testing. Allele origin: germline. Affected: yes.
Comment: This variant is classified as Likely pathogenic. Evidence in support of pathogenic classification: Non-canonical splice site variant without proven consequence on splicing (no functional evidence available); Variant is present in gnomAD <0.01 for a recessive condition (v4: 17 heterozygote(s), 0 homozygote(s)); This variant has moderate previous evidence of pathogenicity in unrelated individual(s). This variant has been classified as likely pathogenic by a clinical laboratory in ClinVar and has been reported in the literature in multiple individuals with Alazami syndrome (PMID: 37025335, 35567578); Another splice variant comparable to the one identified in this case has limited previous evidence for pathogenicity. c.646+5G>C has been identified in the literature in a compound heterozygous individual with Alazami syndrome (PMID: 31074943), and has been classified as likely pathogenic by a diagnostic laboratory in ClinVar. Additional information: This variant is homozygous; This gene is associated with autosomal recessive disease; No published functional evidence has been identified for this variant; In silico prediction for abnormal splicing are conflicting; Loss of function is a known mechanism of disease in this gene and is associated with Alazami syndrome (MIM#615071).

GeneDx
Classification: Likely pathogenic. Last evaluated: 2024-02-14. Review status: criteria provided, single submitter. Criteria: GeneDx Variant Classification Process June 2021. Collection method: clinical testing. Allele origin: germline. Affected: yes.
Comment: In silico analysis supports a deleterious effect on splicing; This variant is associated with the following publications: (PMID: 31074943, 35567578)

Department of Pathology and Laboratory Medicine, Sinai Health System
Classification: Likely pathogenic for Microcephalic primordial dwarfism, Alazami type. Last evaluated: 2023-10-17. Review status: criteria provided, single submitter. Criteria: ACMG Guidelines, 2015. Collection method: research. Allele origin: germline.

Molecular Genetics Laboratory, BC Children's and BC Women's Hospitals
Classification: Likely pathogenic for Microcephalic primordial dwarfism, Alazami type. Last evaluated: 2025-02-13. Review status: no assertion criteria provided. Criteria: ACMG Guidelines, 2015. Collection method: clinical testing. Allele origin: unknown. Affected: yes. Not counted in ClinVar's aggregate classification.

Literature cited by the submitters: PubMed 37025335 (cited by Victorian Clinical Genetics Services, Murdoch Childrens Research Institute); PubMed 35567578 (cited by Victorian Clinical Genetics Services, Murdoch Childrens Research Institute); PubMed 31074943 (cited by Victorian Clinical Genetics Services, Murdoch Childrens Research Institute).